The following is an entry in ClinVar:

NM_001084.5(PLOD3):c.571G>A (p.Asp191Asn)

Gene: PLOD3 (procollagen-lysine,2-oxoglutarate 5-dioxygenase 3; minus strand). Cytogenetic location: 7q22.1.
Variant type: single nucleotide variant.
Coding change: c.571G>A on transcript NM_001084.5 (MANE Select); coding-DNA position 571, G replaced by A.
Protein change: p.Asp191Asn; replaces aspartic acid 191 with asparagine.
Molecular consequence: missense variant.
Genome position (GRCh38, 1-based): chr7:101,215,952, C>T on the plus strand (G>A on the coding strand, the complement: PLOD3 is on the minus strand). VCF-style: chr7-101215952-C-T. GRCh37 (hg19) VCF-style: chr7-100859233-C-T.
Other names: short protein forms D191N.
Identifiers: ClinVar variation 1316712 (VCV001316712.7), dbSNP rs143734860, ClinGen allele CA4408141.
Genomic context (GRCh38, chr7:101,215,952, plus strand): 5'-CCTCTGCCTTCCCTACCCTCAGTCCTGGGTCCAGGTAGAGCCGTGTGTAGAACAGCTGGT[C>T]GTCGTCATCATCCTTGTACTTCCACTGGCGCACGATTTGGTGGATGGTGGTGGCAAAACC-3'
Protein context (NP_001075.1, residues 181-201): RQWKYKDDDD[Asp191Asn]QLFYTRLYLD

ClinVar aggregate classification (germline): Conflicting classifications of pathogenicity. Review status: criteria provided, conflicting classifications (1 of 4 stars). 3 submissions from 3 submitters: Uncertain significance (2); Likely benign (1). Last evaluated 2024-11-10.

Conditions:
PLOD3-related disorder. Also called: PLOD3-related condition.
Inborn genetic diseases. Identifiers: MedGen C0950123, MeSH D030342.

Allele frequency attached by ClinVar (database versions not stated): ExAC 0.00017; TOPMed 0.00011; ESP Exome Variant Server 0.00015; gnomAD 0.00009 and 0.00010.

Submissions (3):

GeneDx
Classification: Uncertain significance. Last evaluated: 2024-11-10. Review status: criteria provided, single submitter. Criteria: GeneDx Variant Classification Process June 2021. Collection method: clinical testing. Allele origin: germline. Affected: yes.
Comment: In silico analysis supports that this missense variant has a deleterious effect on protein structure/function; Has not been previously published as pathogenic or benign to our knowledge

Labcorp Genetics (formerly Invitae), Labcorp
Classification: Uncertain significance. Last evaluated: 2022-07-08. Review status: criteria provided, single submitter. Criteria: Invitae Variant Classification Sherloc (09022015). Collection method: clinical testing. Allele origin: germline.
Comment: This sequence change replaces aspartic acid, which is acidic and polar, with asparagine, which is neutral and polar, at codon 191 of the PLOD3 protein (p.Asp191Asn). This variant is present in population databases (rs143734860, gnomAD 0.02%). This variant has not been reported in the literature in individuals affected with PLOD3-related conditions. ClinVar contains an entry for this variant (Variation ID: 1316712). Algorithms developed to predict the effect of missense changes on protein structure and function are either unavailable or do not agree on the potential impact of this missense change (SIFT: "Deleterious"; PolyPhen-2: "Probably Damaging"; Align-GVGD: "Class C15"). In summary, the available evidence is currently insufficient to determine the role of this variant in disease. Therefore, it has been classified as a Variant of Uncertain Significance.

Ambry Genetics
Classification: Likely benign for Inborn genetic diseases. Last evaluated: 2021-09-17. Review status: criteria provided, single submitter. Criteria: Ambry Variant Classification Scheme 2023. Collection method: clinical testing. Allele origin: germline.